The following is an entry in ClinVar:

NM_014365.3(HSPB8):c.266C>T (p.Pro89Leu)

Gene: HSPB8 (heat shock protein family B (small) member 8; plus strand). Cytogenetic location: 12q24.23.
Variant type: single nucleotide variant.
Coding change: c.266C>T on transcript NM_014365.3 (MANE Select); coding-DNA position 266, C replaced by T.
Protein change: p.Pro89Leu; replaces proline 89 with leucine.
Molecular consequence: missense variant.
Genome position (GRCh38, 1-based): chr12:119,179,578, C>T. VCF-style: chr12-119179578-C-T. GRCh37 (hg19) VCF-style: chr12-119617383-C-T.
Other names: short protein forms P89L.
Identifiers: ClinVar variation 639762 (VCV000639762.8), dbSNP rs35909818, ClinGen allele CA386525627.

ClinVar aggregate classification (germline): Uncertain significance (1 of 4 stars; one submission).

Conditions:
Charcot-Marie-Tooth disease axonal type 2L. Also called: Charcot-Marie-Tooth Neuropathy Type 2L; CHARCOT-MARIE-TOOTH DISEASE, AXONAL, AUTOSOMAL DOMINANT, TYPE 2L; CHARCOT-MARIE-TOOTH NEUROPATHY, AXONAL, TYPE 2L. Identifiers: Orphanet 99945, MedGen C1837552, MONDO:0012096, OMIM 608673.

gnomAD v4.1: 1 of 1,612,198 alleles (0.000062%); no homozygotes.

Submission:

Labcorp Genetics (formerly Invitae), Labcorp
Classification: Uncertain significance for Charcot-Marie-Tooth disease axonal type 2L. Last evaluated: 2021-03-05. Review status: criteria provided, single submitter. Criteria: Invitae Variant Classification Sherloc (09022015). Collection method: clinical testing. Allele origin: germline.
Comment: This sequence change replaces proline with leucine at codon 89 of the HSPB8 protein (p.Pro89Leu). The proline residue is moderately conserved and there is a moderate physicochemical difference between proline and leucine. This variant is not present in population databases (ExAC no frequency). This variant has not been reported in the literature in individuals with HSPB8-related disease. Algorithms developed to predict the effect of missense changes on protein structure and function (SIFT, PolyPhen-2, Align-GVGD) all suggest that this variant is likely to be tolerated, but these predictions have not been confirmed by published functional studies and their clinical significance is uncertain. In summary, the available evidence is currently insufficient to determine the role of this variant in disease. Therefore, it has been classified as a Variant of Uncertain Significance.